The following is an entry in ClinVar:

ClinVar aggregate classification (germline): Uncertain significance. Review status: criteria provided, multiple submitters, no conflicts (2 of 4 stars). 3 submissions from 3 submitters: Uncertain significance (2). 1 of the submissions does not count toward it. Last evaluated 2025-08-08.

Conditions:
Inborn genetic diseases. Identifiers: MedGen C0950123, MeSH D030342.

Allele frequency attached by ClinVar (database versions not stated): gnomAD 0.00001; TOPMed 0.00001; gnomAD exomes 0.00003 and 0.00004; ExAC 0.00005; ESP Exome Variant Server 0.00008.
gnomAD v4.1: 63 of 1,614,036 alleles (0.0039%); highest among the groups gnomAD compares: Non-Finnish European, 0.0044%; no homozygotes.

Submissions (3):

Ambry Genetics
Classification: Uncertain significance for Inborn genetic diseases. Last evaluated: 2025-08-08. Review status: criteria provided, single submitter. Criteria: Ambry Variant Classification Scheme 2023. Collection method: clinical testing. Allele origin: germline.

Labcorp Genetics (formerly Invitae), Labcorp
Classification: Uncertain significance. Last evaluated: 2022-03-31. Review status: criteria provided, single submitter. Criteria: Invitae Variant Classification Sherloc (09022015). Collection method: clinical testing. Allele origin: germline.
Comment: This sequence change replaces glutamic acid, which is acidic and polar, with aspartic acid, which is acidic and polar, at codon 359 of the VLDLR protein (p.Glu359Asp). This variant is present in population databases (rs373013425, gnomAD 0.005%). This variant has not been reported in the literature in individuals affected with VLDLR-related conditions. ClinVar contains an entry for this variant (Variation ID: 1050187). Algorithms developed to predict the effect of missense changes on protein structure and function are either unavailable or do not agree on the potential impact of this missense change (SIFT: "Not Available"; PolyPhen-2: "Possibly Damaging"; Align-GVGD: "Not Available"). In summary, the available evidence is currently insufficient to determine the role of this variant in disease. Therefore, it has been classified as a Variant of Uncertain Significance.

Department of Pathology and Laboratory Medicine, Sinai Health System
Classification: Uncertain significance. Review status: no assertion criteria provided. Collection method: clinical testing. Allele origin: unknown. Affected: yes. Study: The Canadian Open Genetics Repository (COGR). Not counted in ClinVar's aggregate classification.
Comment: The VLDLR p.Glu318Asp variant was not identified in the literature nor was it identified in the ClinVar, Cosmic, and LOVD 3.0 databases, however the variant was identified in dbSNP (ID: rs373013425). The variant was identified in control databases in 7 of 251366 chromosomes at a frequency of 0.000028 (Genome Aggregation Database Feb 27, 2017). The variant was observed in the following populations: Other in 1 of 6130 chromosomes (freq: 0.000163), European (non-Finnish) in 6 of 113676 chromosomes (freq: 0.000053), while the variant was not observed in the African, Latino, Ashkenazi Jewish, East Asian, European (Finnish), South Asian, populations. The variant occurs outside of the splicing consensus sequence and in silico or computational prediction software programs (SpliceSiteFinder, MaxEntScan, NNSPLICE, GeneSplicer) do not predict a difference in splicing. The p.Glu318 residue is not conserved in mammals and computational analyses (PolyPhen-2, SIFT, AlignGVGD, BLOSUM, MutationTaster) provide inconsistent predictions regarding the impact to the protein; this information is not very predictive of pathogenicity. In summary, based on the above information the clinical significance of this variant cannot be determined with certainty at this time. This variant is classified as a variant of uncertain significance.

NM_003383.5(VLDLR):c.1077A>C (p.Glu359Asp)

Gene: VLDLR (very low density lipoprotein receptor; plus strand). Cytogenetic location: 9p24.2.
Variant type: single nucleotide variant.
Coding change: c.1077A>C on transcript NM_003383.5 (MANE Select); coding-DNA position 1077, A replaced by C.
Protein change: p.Glu359Asp; replaces glutamic acid 359 with aspartic acid.
Molecular consequence: missense variant.
Genome position (GRCh38, 1-based): chr9:2,644,744, A>C. VCF-style: chr9-2644744-A-C. GRCh37 (hg19) VCF-style: chr9-2644744-A-C.
Other names: c.1077A>C, p.Glu359Asp (NM_001018056.3); c.954A>C, p.Glu318Asp (NM_001322225.2, NM_001322226.2); c.1077A>C (NM_003383.3); short protein forms E318D, E359D.
Identifiers: ClinVar variation 1050187 (VCV001050187.5), dbSNP rs373013425, ClinGen allele CA4964741.